The following is an entry in ClinVar:

NM_001421.4(ELF4):c.441G>A (p.Ala147=)

Gene: ELF4 (E74 like ETS transcription factor 4; minus strand). Cytogenetic location: Xq26.1.
Variant type: single nucleotide variant.
Coding change: c.441G>A on transcript NM_001421.4 (MANE Select); coding-DNA position 441, G replaced by A.
Protein change: p.Ala147=; no amino-acid change (alanine 147 retained).
Molecular consequence: synonymous variant.
Genome position (GRCh38, 1-based): chrX:130,072,317, C>T on the plus strand (G>A on the coding strand, the complement: ELF4 is on the minus strand). VCF-style: chrX-130072317-C-T. GRCh37 (hg19) VCF-style: chrX-129206292-C-T.
Other names: c.441G>A, p.Ala147= (NM_001127197.2, NM_001440765.1, NM_001440766.1).
Identifiers: ClinVar variation 4977729 (VCV004977729.1).
Genomic context (GRCh38, chrX:130,072,317, plus strand): 5'-ACTTTCCTCTCTGGAGGCCTTCTCCTCCAGAGAATGCCCCTCCTGGTCACTAGTGTCACC[C>T]GCCCTGTTCAGGGCATCGGGCTCAGAGGCAGGAAACAGGTAGTTGGGCAGAGTGACAGCT-3'
Protein context (NP_001412.1, residues 137-157): PASEPDALNR[Ala147=]GDTSDQEGHS

ClinVar aggregate classification (germline): Likely benign (1 of 4 stars; one submission).

Conditions:
ELF4-related disorder. Also called: ELF4-related condition.

gnomAD v4.1: 54 of 1,211,033 alleles (0.0045%); highest among the groups gnomAD compares: African/African-American, 0.031%; no homozygotes.

Submission:

PreventionGenetics, part of Exact Sciences
Classification: Likely benign for ELF4-related condition. Last evaluated: 2025-02-05. Review status: criteria provided, single submitter. Criteria: ACMG Guidelines, 2015. Collection method: clinical testing. Allele origin: germline.
Comment: This variant is classified as likely benign based on ACMG/AMP sequence variant interpretation guidelines (Richards et al. 2015 PMID: 25741868, with internal and published modifications).